The following is an entry in ClinVar:

NM_000368.5(TSC1):c.611G>C (p.Arg204Pro)

Gene: TSC1 (TSC complex subunit 1; minus strand). Cytogenetic location: 9q34.13.
Variant type: single nucleotide variant.
Coding change: c.611G>C on transcript NM_000368.5 (MANE Select); coding-DNA position 611, G replaced by C.
Protein change: p.Arg204Pro; replaces arginine 204 with proline.
Molecular consequence: missense variant.
Genome position (GRCh38, 1-based): chr9:132,921,871, C>G on the plus strand (G>C on the coding strand, the complement: TSC1 is on the minus strand). VCF-style: chr9-132921871-C-G. GRCh37 (hg19) VCF-style: chr9-135797258-C-G.
Other names: c.611G>C, p.Arg204Pro (NM_001162426.2); c.458G>C, p.Arg153Pro (NM_001162427.2); c.248G>C, p.Arg83Pro (NM_001362177.2); short protein forms R204P, R153P, R83P.
Identifiers: ClinVar variation 64783 (VCV000064783.5), dbSNP rs397514834, ClinGen allele CA007898.

ClinVar aggregate classification (germline): Uncertain significance. Review status: criteria provided, single submitter (1 of 4 stars). 2 submissions from 2 submitters: Uncertain significance (1). 1 of the submissions does not count toward it. Last evaluated 2023-07-12.

Conditions:
Tuberous sclerosis syndrome (TSC). Also called: Tuberous Sclerosis Complex; Tuberous sclerosis. Identifiers: Orphanet 805, MedGen C0041341, MONDO:0001734.
Tuberous sclerosis 1 (TSC1). Identifiers: Orphanet 805, MedGen C1854465, MONDO:0008612, OMIM 191100.

Submissions (2):

Labcorp Genetics (formerly Invitae), Labcorp
Classification: Uncertain significance for Tuberous sclerosis 1. Last evaluated: 2023-07-12. Review status: criteria provided, single submitter. Criteria: Invitae Variant Classification Sherloc (09022015). Collection method: clinical testing. Allele origin: germline.
Comment: This sequence change replaces arginine, which is basic and polar, with proline, which is neutral and non-polar, at codon 204 of the TSC1 protein (p.Arg204Pro). This missense change has been observed in individual(s) with tuberous sclerosis complex (PMID: 22161988; Invitae). This variant is not present in population databases (gnomAD no frequency). ClinVar contains an entry for this variant (Variation ID: 64783). Experimental studies have shown that this missense change affects TSC1 function (PMID: 22161988). Advanced modeling of protein sequence and biophysical properties (such as structural, functional, and spatial information, amino acid conservation, physicochemical variation, residue mobility, and thermodynamic stability) performed at Invitae indicates that this missense variant is not expected to disrupt TSC1 protein function. In summary, the available evidence is currently insufficient to determine the role of this variant in disease. Therefore, it has been classified as a Variant of Uncertain Significance.

Tuberous sclerosis database (TSC1)
No classification provided. Condition: TSC. Review status: no classification provided. Criteria: Tuberous Sclerosis Database Assertion Criteria 2015. Collection method: curation. Allele origin: germline. Affected: yes. Not counted in ClinVar's aggregate classification.

Literature cited by the submitters: PubMed 22161988 (cited by Labcorp Genetics (formerly Invitae), Labcorp).